The following is an entry in ClinVar:

ClinVar aggregate classification (germline): Uncertain significance. Review status: criteria provided, multiple submitters, no conflicts (2 of 4 stars). 3 submissions from 3 submitters: Uncertain significance (3). Last evaluated 2026-03-03.

Conditions:
PLXNA2-related disorder. Also called: PLXNA2-related condition.

Allele frequency attached by ClinVar (database versions not stated): ExAC 0.00002; gnomAD exomes 0.00002 and 0.00004; gnomAD 0.00007; TOPMed 0.00008; 1000 Genomes Project 30x 0.00016; 1000 Genomes Project 0.00020.
gnomAD v4.1: 43 of 1,613,658 alleles (0.0027%); highest among the groups gnomAD compares: East Asian, 0.029%; no homozygotes.

Submissions (3):

PreventionGenetics, part of Exact Sciences
Classification: Uncertain significance for PLXNA2-related condition. Last evaluated: 2026-03-03. Review status: criteria provided, single submitter. Criteria: ACMG Guidelines, 2015. Collection method: clinical testing. Allele origin: germline.
Comment: The PLXNA2 c.4007G>A variant is predicted to result in the amino acid substitution p.Arg1336Gln. To our knowledge, this variant has not been reported in the literature. This variant is reported in 0.033% of alleles in individuals of East Asian descent in gnomAD. At this time, the clinical significance of this variant is uncertain due to the absence of conclusive functional and genetic evidence.

Ambry Genetics
Classification: Uncertain significance. Last evaluated: 2022-12-19. Review status: criteria provided, single submitter. Criteria: Ambry Variant Classification Scheme 2023. Collection method: clinical testing. Allele origin: germline.

Labcorp Genetics (formerly Invitae), Labcorp
Classification: Uncertain significance. Last evaluated: 2022-05-18. Review status: criteria provided, single submitter. Criteria: Invitae Variant Classification Sherloc (09022015). Collection method: clinical testing. Allele origin: germline.
Comment: This sequence change replaces arginine, which is basic and polar, with glutamine, which is neutral and polar, at codon 1336 of the PLXNA2 protein (p.Arg1336Gln). This variant is present in population databases (rs190868333, gnomAD 0.03%). This variant has not been reported in the literature in individuals affected with PLXNA2-related conditions. Algorithms developed to predict the effect of missense changes on protein structure and function (SIFT, PolyPhen-2, Align-GVGD) all suggest that this variant is likely to be tolerated. Algorithms developed to predict the effect of sequence changes on RNA splicing suggest that this variant may create or strengthen a splice site. In summary, the available evidence is currently insufficient to determine the role of this variant in disease. Therefore, it has been classified as a Variant of Uncertain Significance.

NM_025179.4(PLXNA2):c.4007G>A (p.Arg1336Gln)

Gene: PLXNA2 (plexin A2; minus strand). Cytogenetic location: 1q32.2.
Variant type: single nucleotide variant.
Coding change: c.4007G>A on transcript NM_025179.4 (MANE Select); coding-DNA position 4007, G replaced by A.
Protein change: p.Arg1336Gln; replaces arginine 1336 with glutamine.
Molecular consequence: missense variant.
Genome position (GRCh38, 1-based): chr1:208,043,071, C>T on the plus strand (G>A on the coding strand, the complement: PLXNA2 is on the minus strand). VCF-style: chr1-208043071-C-T. GRCh37 (hg19) VCF-style: chr1-208216416-C-T.
Other names: c.4007G>A (NM_025179.3); short protein forms R1336Q.
Identifiers: ClinVar variation 1413370 (VCV001413370.10), dbSNP rs190868333, ClinGen allele CA1373010.